The following is an entry in ClinVar:

NM_024408.4(NOTCH2):c.3919G>T (p.Val1307Leu)

Gene: NOTCH2 (notch receptor 2; minus strand). Cytogenetic location: 1p12.
Variant type: single nucleotide variant.
Coding change: c.3919G>T on transcript NM_024408.4 (MANE Select); coding-DNA position 3919, G replaced by T.
Protein change: p.Val1307Leu; replaces valine 1307 with leucine.
Molecular consequence: missense variant.
Genome position (GRCh38, 1-based): chr1:119,926,585, C>A on the plus strand (G>T on the coding strand, the complement: NOTCH2 is on the minus strand). VCF-style: chr1-119926585-C-A. GRCh37 (hg19) VCF-style: chr1-120469208-C-A.
Other names: short protein forms V1307L.
Identifiers: ClinVar variation 4992796 (VCV004992796.1).
Genomic context (GRCh38, chr1:119,926,585, plus strand): 5'-CAGGCATGTTACTGGCCACAGCACAAGTCCCTCCATTCAGGCAGGGCATCTGGGGACACA[C>A]ATCGACGAAGGTTTCACAGTGCCGGCCTCAGAAAATAAAAAATAAAAAAGGTTTTAAAAG-3'
Protein context (NP_077719.2, residues 1297-1317): TGRHCETFVD[Val1307Leu]CPQMPCLNGG

ClinVar aggregate classification (germline): Uncertain significance (1 of 4 stars; one submission).

Conditions:
NOTCH2-related disorder. Also called: NOTCH2-related condition.

Submission:

PreventionGenetics, part of Exact Sciences
Classification: Uncertain significance for NOTCH2-related condition. Last evaluated: 2026-02-11. Review status: criteria provided, single submitter. Criteria: ACMG Guidelines, 2015. Collection method: clinical testing. Allele origin: germline.
Comment: The NOTCH2 c.3919G>T variant is predicted to result in the amino acid substitution p.Val1307Leu. To our knowledge, this variant has not been reported in the literature or in a large population database (gnomAD), indicating this variant is rare. At this time, the clinical significance of this variant is uncertain due to the absence of conclusive functional and genetic evidence.